The following is an entry in ClinVar:

NM_003982.4(SLC7A7):c.377del (p.Ile126fs)

Gene: SLC7A7 (solute carrier family 7 member 7; minus strand). Cytogenetic location: 14q11.2.
Variant type: Deletion.
Coding change: c.377del on transcript NM_003982.4 (MANE Select); coding-DNA position 377, one base deleted (T; older notation c.377delT).
Protein change: p.Ile126fs; shifts the reading frame from isoleucine 126.
Molecular consequence: frameshift variant.
Genome position (GRCh38, 1-based): chr14:22,813,022, A deleted on the plus strand (T on the coding strand, the reverse complement: SLC7A7 is on the minus strand). VCF-style (leftmost placement, unchanged base first): chr14-22813021-GA-G. GRCh37 (hg19) VCF-style: chr14-23282230-GA-G.
Other names: c.377del (NM_001126106.2, NM_001126105.2); c.377del, p.Ile126fs (NM_001126105.3, NM_001126106.4); short protein forms I126fs.
Identifiers: ClinVar variation 1033295 (VCV001033295.15), dbSNP rs774080549, ClinGen allele CA7104719.

ClinVar aggregate classification (germline): Pathogenic/Likely pathogenic. Review status: criteria provided, multiple submitters, no conflicts (2 of 4 stars). 6 submissions from 6 submitters: Pathogenic (4); Likely pathogenic (2). Last evaluated 2026-01-14.

Conditions:
Lysinuric protein intolerance (LPI). Identifiers: Orphanet 470, MedGen C0268647, MONDO:0009109, OMIM 222700.
SLC7A7-related disorder. Also called: SLC7A7-related condition.

Allele frequency attached by ClinVar (database versions not stated): gnomAD exomes below 0.00001 and 0.00001; ExAC 0.00001; gnomAD 0.00003 and 0.00004; TOPMed 0.00003.

Submissions (6):

Natera, Inc.
Classification: Pathogenic for Lysinuric protein intolerance. Last evaluated: 2026-01-14. Review status: criteria provided, single submitter. Criteria: Natera Variant Classification Schema (03/2026). Collection method: clinical testing. Allele origin: germline.
Comment: The c.377delT variant in SLC7A7 is a frameshift variant predicted to shift the reading frame beginning at codon 126 and leads to a stop codon 44 codons downstream. This variant is expected to result in nonsense mediated decay, truncation, or a dysfunctional protein product. This variant is rare in the general population with a frequency below the threshold expected for the associated phenotype(s). This variant has been observed in one or more individuals affected with the associated recessive disease, as either homozygous or compound heterozygous with a second variant (PMID: 36939041). Given the available evidence, this variant is classified as Pathogenic.

Labcorp Genetics (formerly Invitae), Labcorp
Classification: Pathogenic for Lysinuric protein intolerance. Last evaluated: 2025-02-25. Review status: criteria provided, single submitter. Criteria: Invitae Variant Classification Sherloc (09022015). Collection method: clinical testing. Allele origin: germline.
Comment: This sequence change creates a premature translational stop signal (p.Ile126Thrfs*44) in the SLC7A7 gene. It is expected to result in an absent or disrupted protein product. Loss-of-function variants in SLC7A7 are known to be pathogenic (PMID: 10631139, 17764084). This variant is present in population databases (rs774080549, gnomAD 0.01%). This variant has not been reported in the literature in individuals affected with SLC7A7-related conditions. ClinVar contains an entry for this variant (Variation ID: 1033295). For these reasons, this variant has been classified as Pathogenic.

Baylor Genetics
Classification: Pathogenic for Lysinuric protein intolerance. Last evaluated: 2024-03-06. Review status: criteria provided, single submitter. Criteria: ACMG Guidelines, 2015. Collection method: clinical testing. Allele origin: unknown.

PreventionGenetics, part of Exact Sciences
Classification: Likely pathogenic for SLC7A7-related condition. Last evaluated: 2023-04-05. Review status: criteria provided, single submitter. Criteria: ACMG Guidelines, 2015. Collection method: clinical testing. Allele origin: germline.
Comment: The SLC7A7 c.377delT variant is predicted to result in a frameshift and premature protein termination (p.Ile126Thrfs*44). To our knowledge, this variant has not been reported in the literature. This variant is reported in 0.016% of alleles in individuals of African descent in gnomAD. Frameshift variants in SLC7A7 are expected to be pathogenic. This variant is interpreted as likely pathogenic.

Fulgent Genetics
Classification: Likely pathogenic for Lysinuric protein intolerance. Last evaluated: 2022-02-10. Review status: criteria provided, single submitter. Criteria: ACMG Guidelines, 2015. Collection method: clinical testing. Allele origin: unknown.

Genome-Nilou Lab
Classification: Pathogenic for Lysinuric protein intolerance. Last evaluated: 2021-11-07. Review status: criteria provided, single submitter. Criteria: ACMG Guidelines, 2015. Collection method: clinical testing. Allele origin: germline. Affected: no.

Literature cited by the submitters: PubMed 36939041 (cited by Natera, Inc.); PubMed 10631139 (cited by Labcorp Genetics (formerly Invitae), Labcorp); PubMed 17764084 (cited by Labcorp Genetics (formerly Invitae), Labcorp).